The following is an entry in ClinVar:

ClinVar aggregate classification (germline): Conflicting classifications of pathogenicity. Review status: criteria provided, conflicting classifications (1 of 4 stars). 3 submissions from 3 submitters: Uncertain significance (1); Likely benign (1). 1 of the submissions does not count toward it. Last evaluated 2025-10-24.

Conditions:
SCN1B-related disorder. Also called: SCN1B-Related Disorders; SCN1B-related condition.
Brugada syndrome 5 (BRGDA5). Identifiers: Orphanet 130, Orphanet 871, MedGen C2748541, MONDO:0013015, OMIM 612838.

Allele frequency attached by ClinVar (database versions not stated): ExAC 0.00001; TOPMed 0.00004; gnomAD 0.00005; gnomAD exomes 0.00005.
gnomAD v4.1: 84 of 1,611,426 alleles (0.0052%); highest among the groups gnomAD compares: Non-Finnish European, 0.0063%; no homozygotes.

Submissions (3):

Labcorp Genetics (formerly Invitae), Labcorp
Classification: Uncertain significance for Brugada syndrome 5. Last evaluated: 2025-10-24. Review status: criteria provided, single submitter. Criteria: Invitae Variant Classification Sherloc (09022015). Collection method: clinical testing. Allele origin: germline.
Comment: This sequence change replaces arginine, which is basic and polar, with cysteine, which is neutral and slightly polar, at codon 187 of the SCN1B protein (p.Arg187Cys). This variant is present in population databases (rs758654948, gnomAD 0.01%). This variant has not been reported in the literature in individuals affected with SCN1B-related conditions. ClinVar contains an entry for this variant (Variation ID: 406500). An algorithm developed to predict the effect of missense changes on protein structure and function outputs the following: PolyPhen-2: "Probably Damaging". The cysteine amino acid residue is found in multiple mammalian species, which suggests that this missense change does not adversely affect protein function. In summary, the available evidence is currently insufficient to determine the role of this variant in disease. Therefore, it has been classified as a Variant of Uncertain Significance.

GeneDx
Classification: Likely benign. Last evaluated: 2018-01-05. Review status: criteria provided, single submitter. Criteria: GeneDx Variant Classification (06012015). Collection method: clinical testing. Allele origin: germline. Affected: yes.
Comment: This variant is considered likely benign or benign based on one or more of the following criteria: it is a conservative change, it occurs at a poorly conserved position in the protein, it is predicted to be benign by multiple in silico algorithms, and/or has population frequency not consistent with disease.

PreventionGenetics, part of Exact Sciences
Classification: Uncertain significance for SCN1B-related condition. Last evaluated: 2024-05-23. Review status: no assertion criteria provided. Collection method: clinical testing. Allele origin: germline. Not counted in ClinVar's aggregate classification.
Comment: The SCN1B c.559C>T variant is predicted to result in the amino acid substitution p.Arg187Cys. To our knowledge, this variant has not been reported in the literature. This variant is reported in 0.010% of alleles in individuals of East Asian descent in gnomAD. At this time, the clinical significance of this variant is uncertain due to the absence of conclusive functional and genetic evidence.

NM_001037.5(SCN1B):c.448+111C>T

Gene: SCN1B (sodium voltage-gated channel beta subunit 1; plus strand). Cytogenetic location: 19q13.11.
Variant type: single nucleotide variant.
Coding change: c.448+111C>T on transcript NM_001037.5 (MANE Select); 111 bases into the intron after coding-DNA position 448, C replaced by T.
Molecular consequence: intron variant. On other transcripts: missense variant (1).
Genome position (GRCh38, 1-based): chr19:35,033,850, C>T. VCF-style: chr19-35033850-C-T. GRCh37 (hg19) VCF-style: chr19-35524754-C-T.
Other names: c.559C>T, p.Arg187Cys (NM_199037.5); c.349+111C>T (NM_001321605.2); c.559C>T (NM_199037.4); short protein forms R187C.
Identifiers: ClinVar variation 406500 (VCV000406500.9), dbSNP rs758654948, ClinGen allele CA9372034.